The following is an entry in ClinVar:

NM_001267550.2(TTN):c.101669T>C (p.Met33890Thr)

Genes: TTN (titin; minus strand), TTN-AS1 (TTN antisense RNA 1; plus strand). Cytogenetic location: 2q31.2.
Variant type: single nucleotide variant.
Coding change: c.101669T>C on transcript NM_001267550.2 (MANE Select); coding-DNA position 101669, T replaced by C.
Protein change: p.Met33890Thr; replaces methionine 33890 with threonine.
Molecular consequence: missense variant.
Genome position (GRCh38, 1-based): chr2:178,534,946, A>G on the plus strand (T>C on the coding strand, the complement: TTN is on the minus strand). VCF-style: chr2-178534946-A-G. GRCh37 (hg19) VCF-style: chr2-179399673-A-G.
Other names: c.96746T>C, p.Met32249Thr (NM_001256850.1); c.74474T>C, p.Met24825Thr (NM_003319.4); c.93965T>C, p.Met31322Thr (NM_133378.4); c.74849T>C, p.Met24950Thr (NM_133432.3); c.75050T>C, p.Met25017Thr (NM_133437.4); short protein forms M24825T, M24950T, M25017T, M31322T, M32249T, M33890T.
Identifiers: ClinVar variation 4822755 (VCV004822755.4).

ClinVar aggregate classification (germline): Uncertain significance (1 of 4 stars; one submission).

Submission:

CeGaT Center for Human Genetics Tuebingen
Classification: Uncertain significance. Last evaluated: 2026-02-01. Review status: criteria provided, single submitter. Criteria: CeGaT Center For Human Genetics Tuebingen Variant Classification Criteria Version 2. Collection method: clinical testing. Allele origin: germline. Affected: yes. Observed: 1 variant allele.
Comment: TTN: PM2